The following is an entry in ClinVar:

ClinVar aggregate classification (germline): Likely benign (1 of 4 stars; one submission).

Allele frequency attached by ClinVar (database versions not stated): gnomAD 0.00001; TOPMed 0.00003; gnomAD exomes 0.00004; ExAC 0.00005.
gnomAD v4.1: 43 of 1,209,451 alleles (0.0036%); highest among the groups gnomAD compares: East Asian, 0.012%; no homozygotes.

Submission:

CeGaT Center for Human Genetics Tuebingen
Classification: Likely benign. Last evaluated: 2022-04-01. Review status: criteria provided, single submitter. Criteria: CeGaT Center For Human Genetics Tuebingen Variant Classification Criteria Version 2. Collection method: clinical testing. Allele origin: germline. Affected: yes. Observed: 1 variant allele.
Comment: GNL3L: BP4, BP7

NM_001184819.2(GNL3L):c.972C>T (p.His324=)

Gene: GNL3L (G protein nucleolar 3 like; plus strand). Cytogenetic location: Xp11.22.
Variant type: single nucleotide variant.
Coding change: c.972C>T on transcript NM_001184819.2 (MANE Select); coding-DNA position 972, C replaced by T.
Protein change: p.His324=; no amino-acid change (histidine 324 retained).
Molecular consequence: synonymous variant.
Genome position (GRCh38, 1-based): chrX:54,551,676, C>T. VCF-style: chrX-54551676-C-T. GRCh37 (hg19) VCF-style: chrX-54578109-C-T.
Other names: c.972C>T, p.His324= (NM_019067.6).
Identifiers: ClinVar variation 2660670 (VCV002660670.24), dbSNP rs745791161, ClinGen allele CA10425596.
Genomic context (GRCh38, chrX:54,551,676, plus strand): 5'-TCCAGGCATTGTCCCAGGGCCCAACTCAGAGGTGGGCACCATCCTGCGTAACTGCGTCCA[C>T]GTGCAGAAGCTGGCAGACCCTGTGACCCCAGTGGAGACCATCCTGCAGCGCTGCAACCTG-3'
Protein context (NP_001171748.1, residues 314-334): EVGTILRNCV[His324=]VQKLADPVTP